The following is an entry in ClinVar:

ClinVar aggregate classification (germline): Likely pathogenic (1 of 4 stars; one submission).

Conditions:
GRM6-related disorder. Also called: GRM6-related condition.

gnomAD v4.1: 2 of 1,607,040 alleles (0.00012%); highest among the groups gnomAD compares: Non-Finnish European, 0.00017%; no homozygotes.

Submission:

PreventionGenetics, part of Exact Sciences
Classification: Likely pathogenic for GRM6-related condition. Last evaluated: 2026-09-06. Review status: criteria provided, single submitter. Criteria: ACMG Guidelines, 2015. Collection method: clinical testing. Allele origin: germline.
Comment: The GRM6 c.1513C>T variant is predicted to result in premature protein termination (p.Gln505*). To our knowledge, this variant has not been reported in the literature. This variant is absent in a large population database (gnomAD). Nonsense variants in GRM6 are an established mechanism of disease. This variant is interpreted as likely pathogenic.

NM_000843.4(GRM6):c.1513C>T (p.Gln505Ter)

Genes: GRM6 (glutamate metabotropic receptor 6; minus strand), ZNF454 (zinc finger protein 454; plus strand). Cytogenetic location: 5q35.3.
Variant type: single nucleotide variant.
Coding change: c.1513C>T on transcript NM_000843.4 (MANE Select); coding-DNA position 1513, C replaced by T.
Protein change: p.Gln505Ter; replaces glutamine 505 with a stop codon.
Molecular consequence: nonsense.
Genome position (GRCh38, 1-based): chr5:178,986,741, G>A on the plus strand (C>T on the coding strand, the complement: GRM6 is on the minus strand). VCF-style: chr5-178986741-G-A. GRCh37 (hg19) VCF-style: chr5-178413742-G-A.
Other names: short protein forms Q505*.
Identifiers: ClinVar variation 5000060 (VCV005000060.1).